The following is an entry in ClinVar:

ClinVar aggregate classification (germline): Uncertain significance (1 of 4 stars; one submission).

Conditions:
Congenital disorder of glycosylation type Ir (CDG1R). Also called: DDOST-congenital disorder of glycosylation. Identifiers: Orphanet 300536, MedGen C3281084, MONDO:0013789, OMIM 614507.

Allele frequency attached by ClinVar (database versions not stated): ExAC 0.00006; TOPMed 0.00006; ESP Exome Variant Server 0.00015.

Submission:

Labcorp Genetics (formerly Invitae), Labcorp
Classification: Uncertain significance for Congenital disorder of glycosylation type Ir. Last evaluated: 2021-11-27. Review status: criteria provided, single submitter. Criteria: Invitae Variant Classification Sherloc (09022015). Collection method: clinical testing. Allele origin: germline.
Comment: In summary, the available evidence is currently insufficient to determine the role of this variant in disease. Therefore, it has been classified as a Variant of Uncertain Significance. Algorithms developed to predict the effect of missense changes on protein structure and function are either unavailable or do not agree on the potential impact of this missense change (SIFT: "Deleterious"; PolyPhen-2: "Probably Damaging"; Align-GVGD: "Class C15"). This variant has not been reported in the literature in individuals affected with DDOST-related conditions. This variant is present in population databases (rs371751724, gnomAD 0.01%). This sequence change replaces arginine, which is basic and polar, with cysteine, which is neutral and slightly polar, at codon 307 of the DDOST protein (p.Arg307Cys).

NM_005216.5(DDOST):c.868C>T (p.Arg290Cys)

Gene: DDOST (dolichyl-diphosphooligosaccharide--protein glycosyltransferase non-catalytic subunit; minus strand). Cytogenetic location: 1p36.12.
Variant type: single nucleotide variant.
Coding change: c.868C>T on transcript NM_005216.5 (MANE Select); coding-DNA position 868, C replaced by T.
Protein change: p.Arg290Cys; replaces arginine 290 with cysteine.
Molecular consequence: missense variant.
Genome position (GRCh38, 1-based): chr1:20,653,701, G>A on the plus strand (C>T on the coding strand, the complement: DDOST is on the minus strand). VCF-style: chr1-20653701-G-A. GRCh37 (hg19) VCF-style: chr1-20980194-G-A.
Other names: short protein forms R290C.
Identifiers: ClinVar variation 2146683 (VCV002146683.4), dbSNP rs371751724, ClinGen allele CA661104.